The following is an entry in ClinVar:

ClinVar aggregate classification (germline): Likely pathogenic. Review status: criteria provided, multiple submitters, no conflicts (2 of 4 stars). 2 submissions from 2 submitters: Likely pathogenic (2). Last evaluated 2025-08-12.

Conditions:
Polycystic kidney disease 4 (PKD4). Also called: POLYCYSTIC KIDNEY AND HEPATIC DISEASE 1; POLYCYSTIC KIDNEY DISEASE, INFANTILE, TYPE I; PKD3; POLYCYSTIC KIDNEY DISEASE 4 WITH OR WITHOUT POLYCYSTIC LIVER DISEASE; Autosomal Recessive Polycystic Kidney Disease – PKHD1. Identifiers: MedGen C4540575, MONDO:0033004, OMIM 263200.
Autosomal recessive polycystic kidney disease (ARPKD). Also called: AR polycystic kidney disease. Identifiers: Orphanet 731, Orphanet 8378, MedGen C0085548, MeSH D017044, MONDO:0009889.

Submissions (2):

Natera, Inc.
Classification: Likely pathogenic for Autosomal recessive polycystic kidney disease. Last evaluated: 2025-08-12. Review status: criteria provided, single submitter. Criteria: Natera Variant Classification Schema (03/2026). Collection method: clinical testing. Allele origin: germline.
Comment: The c.7929delC variant in PKHD1 is a frameshift variant predicted to shift the reading frame beginning at codon 2643 and leads to a stop codon 24 codons downstream. This variant is expected to result in nonsense mediated decay, truncation, or a dysfunctional protein product. This variant is rare in the general population with a frequency below the threshold expected for the associated phenotype(s). Given the available evidence, this variant is classified as Likely Pathogenic.

Baylor Genetics
Classification: Likely pathogenic for Polycystic kidney disease 4. Last evaluated: 2023-06-26. Review status: criteria provided, single submitter. Criteria: ACMG Guidelines, 2015. Collection method: clinical testing. Allele origin: unknown.

NM_138694.4(PKHD1):c.7929del (p.Asp2643fs)

Gene: PKHD1 (PKHD1 ciliary IPT domain containing fibrocystin/polyductin; minus strand). Cytogenetic location: 6p12.2.
Variant type: Deletion.
Coding change: c.7929del on transcript NM_138694.4 (MANE Select); coding-DNA position 7929, one base deleted (C; older notation c.7929delC).
Protein change: p.Asp2643fs; shifts the reading frame from aspartic acid 2643.
Molecular consequence: frameshift variant.
Genome position (GRCh38, 1-based): chr6:51,847,953, G deleted on the plus strand (C on the coding strand, the reverse complement: PKHD1 is on the minus strand). VCF-style (leftmost placement, unchanged base first): chr6-51847952-TG-T. GRCh37 (hg19) VCF-style: chr6-51712750-TG-T.
Other names: c.7929del, p.Asp2643fs (NM_170724.3); c.7929delC (NM_138694.3); short protein forms D2643fs.
Identifiers: ClinVar variation 2677801 (VCV002677801.2), dbSNP rs2535689299, ClinGen allele CA2695198863.
Genomic context (GRCh38, chr6:51,847,952, plus strand): 5'-TGTCAGGGTAAGGCGGCAAATCTGTGTGCACCAGCAGTAGGTAATTACCAGGAGCAAAGT[TG>T]TCAAAGGTTGCTGAGTACTTGAAGTGAAAGAAAAACACAATAGTGCTCATTTAGTAAGGA-3'